The following is an entry in ClinVar:

NM_030957.4(ADAMTS10):c.1107G>A (p.Met369Ile)

Gene: ADAMTS10 (ADAM metallopeptidase with thrombospondin type 1 motif 10; minus strand). Cytogenetic location: 19p13.2.
Variant type: single nucleotide variant.
Coding change: c.1107G>A on transcript NM_030957.4 (MANE Select); coding-DNA position 1107, G replaced by A.
Protein change: p.Met369Ile; replaces methionine 369 with isoleucine.
Molecular consequence: missense variant.
Genome position (GRCh38, 1-based): chr19:8,596,390, C>T on the plus strand (G>A on the coding strand, the complement: ADAMTS10 is on the minus strand). VCF-style: chr19-8596390-C-T. GRCh37 (hg19) VCF-style: chr19-8661274-C-T.
Other names: c.1107G>A (NM_030957.2); short protein forms M369I.
Identifiers: ClinVar variation 1460782 (VCV001460782.7), dbSNP rs1555740225, ClinGen allele CA403755709.

ClinVar aggregate classification (germline): Uncertain significance. Review status: criteria provided, multiple submitters, no conflicts (2 of 4 stars). 2 submissions from 2 submitters: Uncertain significance (2). Last evaluated 2025-03-08.

Conditions:
Inborn genetic diseases. Identifiers: MedGen C0950123, MeSH D030342.

Allele frequency attached by ClinVar (database versions not stated): gnomAD exomes below 0.00001; TOPMed below 0.00001.

Submissions (2):

Ambry Genetics
Classification: Uncertain significance for Inborn genetic diseases. Last evaluated: 2025-03-08. Review status: criteria provided, single submitter. Criteria: Ambry Variant Classification Scheme 2023. Collection method: clinical testing. Allele origin: germline.

Labcorp Genetics (formerly Invitae), Labcorp
Classification: Uncertain significance. Last evaluated: 2021-10-31. Review status: criteria provided, single submitter. Criteria: Invitae Variant Classification Sherloc (09022015). Collection method: clinical testing. Allele origin: germline.
Comment: In summary, the available evidence is currently insufficient to determine the role of this variant in disease. Therefore, it has been classified as a Variant of Uncertain Significance. Algorithms developed to predict the effect of missense changes on protein structure and function are either unavailable or do not agree on the potential impact of this missense change (SIFT: "Deleterious"; PolyPhen-2: "Benign"; Align-GVGD: "Class C0"). This variant has not been reported in the literature in individuals affected with ADAMTS10-related conditions. This variant is present in population databases (no rsID available, gnomAD 0.0009%). This sequence change replaces methionine, which is neutral and non-polar, with isoleucine, which is neutral and non-polar, at codon 369 of the ADAMTS10 protein (p.Met369Ile).